The following is an entry in ClinVar:

ClinVar aggregate classification (germline): other (0 of 4 stars; one submission).

Conditions:
Familial colorectal cancer. Identifiers: MedGen CN280943, MONDO:0023113. Disease mechanism: loss of function.

Submission:

Systems Biology Platform Zhejiang California International NanoSystems Institute
Classification: other for Familial colorectal cancer. Review status: no assertion criteria provided. Collection method: not provided. Allele origin: unknown.
ClinVar note: Converted during submission from cancer to other.

NM_000038.6(APC):c.1743+1810A>G

Gene: APC (APC regulator of WNT signaling pathway; plus strand). Cytogenetic location: 5q22.2.
Variant type: single nucleotide variant.
Coding change: c.1743+1810A>G on transcript NM_000038.6 (MANE Select); 1810 bases into the intron after coding-DNA position 1743, A replaced by G.
Molecular consequence: intron variant.
Genome position (GRCh38, 1-based): chr5:112,830,782, A>G. VCF-style: chr5-112830782-A-G. GRCh37 (hg19) VCF-style: chr5-112166479-A-G.
Other names: c.1743+1810A>G (NM_001354895.2, NM_001127510.3); c.1773+1810A>G (NM_001354897.2); c.1470+1810A>G (NM_001354902.2); c.1689+1810A>G (NM_001127511.3); c.1668+1810A>G (NM_001354898.2); c.1365+1810A>G (NM_001354904.2); c.894+1810A>G (NM_001354906.2); c.1797+1810A>G (NM_001354896.2); and 5 more.
Identifiers: ClinVar variation 83178 (VCV000083178.2), dbSNP rs75209153, ClinGen allele CA005558.